The following is an entry in ClinVar:

NM_000303.3(PMM2):c.135C>T (p.Gly45=)

Gene: PMM2 (phosphomannomutase 2; plus strand). Cytogenetic location: 16p13.2.
Variant type: single nucleotide variant.
Coding change: c.135C>T on transcript NM_000303.3 (MANE Select); coding-DNA position 135, C replaced by T.
Protein change: p.Gly45=; no amino-acid change (glycine 45 retained).
Molecular consequence: synonymous variant.
Genome position (GRCh38, 1-based): chr16:8,801,867, C>T. VCF-style: chr16-8801867-C-T. GRCh37 (hg19) VCF-style: chr16-8895724-C-T.
Identifiers: ClinVar variation 728622 (VCV000728622.14), dbSNP rs748980961, ClinGen allele CA7893901.

ClinVar aggregate classification (germline): Conflicting classifications of pathogenicity. Review status: criteria provided, conflicting classifications (1 of 4 stars). 3 submissions from 3 submitters: Uncertain significance (1); Likely benign (1). 1 of the submissions does not count toward it. Last evaluated 2026-01-19.

Conditions:
PMM2-related disorder. Also called: PMM2-related condition.
PMM2-congenital disorder of glycosylation. Also called: PMM2-CDG; JAEKEN SYNDROME; Congenital disorder of glycosylation, type Ia; CARBOHYDRATE-DEFICIENT GLYCOPROTEIN SYNDROME, TYPE Ia; PHOSPHOMANNOMUTASE 2 DEFICIENCY; CDG Ia. Identifiers: Orphanet 79318, MedGen C0349653, MONDO:0008907, OMIM 212065.

Allele frequency attached by ClinVar (database versions not stated): gnomAD exomes 0.00002 and 0.00005; TOPMed 0.00003; gnomAD 0.00004.
gnomAD v4.1: 74 of 1,611,360 alleles (0.0046%); highest among the groups gnomAD compares: Non-Finnish European, 0.0053%; no homozygotes.

Submissions (4):

Labcorp Genetics (formerly Invitae), Labcorp
Classification: Likely benign for PMM2-congenital disorder of glycosylation. Last evaluated: 2026-01-19. Review status: criteria provided, single submitter. Criteria: Invitae Variant Classification Sherloc (09022015). Collection method: clinical testing. Allele origin: germline.

Fulgent Genetics
Classification: Uncertain significance for PMM2-congenital disorder of glycosylation. Last evaluated: 2024-03-11. Review status: criteria provided, single submitter. Criteria: ACMG Guidelines, 2015. Collection method: clinical testing. Allele origin: germline.

PreventionGenetics, part of Exact Sciences
Classification: Likely benign for PMM2-related condition. Last evaluated: 2020-10-12. Review status: no assertion criteria provided. Collection method: clinical testing. Allele origin: germline. Not counted in ClinVar's aggregate classification.
Comment: This variant is classified as likely benign based on ACMG/AMP sequence variant interpretation guidelines (Richards et al. 2015 PMID: 25741868, with internal and published modifications).

Dr. Peter K. Rogan Lab, Western University
No classification provided (evidence only). Condition: Uterine carcinosarcoma. Review status: no classification provided. Collection method: in vitro. Allele origin: not applicable. Functional consequence: retained intron. Not counted in ClinVar's aggregate classification.